The following is an entry in ClinVar:

NM_001367534.1(CAMK2G):c.269T>C (p.Phe90Ser)

Gene: CAMK2G (calcium/calmodulin dependent protein kinase II gamma; minus strand). Cytogenetic location: 10q22.2.
Variant type: single nucleotide variant.
Coding change: c.269T>C on transcript NM_001367534.1 (MANE Select); coding-DNA position 269, T replaced by C.
Protein change: p.Phe90Ser; replaces phenylalanine 90 with serine.
Molecular consequence: missense variant. On other transcripts: 5 prime UTR variant (2), non-coding transcript variant (6), intron variant (4).
Genome position (GRCh38, 1-based): chr10:73,853,198, A>G on the plus strand (T>C on the coding strand, the complement: CAMK2G is on the minus strand). VCF-style: chr10-73853198-A-G. GRCh37 (hg19) VCF-style: chr10-75612956-A-G.
Other names: c.269T>C, p.Phe90Ser (NM_001204492.2, NM_001222.4, NM_001320898.2 and 28 more transcripts); c.245T>C, p.Phe82Ser (NM_001367514.1, NM_001367525.1, NM_001367532.1); c.-303T>C (NM_001367540.1); c.-485T>C (NM_001367542.1); c.30-3865T>C (NM_001367537.1, NM_001367538.1); c.30-879T>C (NM_001367539.1, NM_001367524.1); short protein forms F82S, F90S.
Identifiers: ClinVar variation 1804208 (VCV001804208.2), dbSNP rs2548645436, ClinGen allele CA377252765.

ClinVar aggregate classification (germline): Uncertain significance (1 of 4 stars; one submission).

Allele frequency attached by ClinVar (database versions not stated): gnomAD exomes below 0.00001.
gnomAD v4.1: 2 of 1,614,080 alleles (0.00012%); highest among the groups gnomAD compares: Admixed American, 0.0033%; no homozygotes.

Submission:

GeneDx
Classification: Uncertain significance. Last evaluated: 2023-02-08. Review status: criteria provided, single submitter. Criteria: GeneDx Variant Classification Process June 2021. Collection method: clinical testing. Allele origin: germline.
Comment: Not observed at significant frequency in large population cohorts (gnomAD); In silico analysis supports that this missense variant has a deleterious effect on protein structure/function; Has not been previously published as pathogenic or benign to our knowledge